The following is an entry in ClinVar:

NM_001458.5(FLNC):c.1454A>G (p.Gln485Arg)

Gene: FLNC (filamin C; plus strand). Cytogenetic location: 7q32.1.
Variant type: single nucleotide variant.
Coding change: c.1454A>G on transcript NM_001458.5 (MANE Select); coding-DNA position 1454, A replaced by G.
Protein change: p.Gln485Arg; replaces glutamine 485 with arginine.
Molecular consequence: missense variant.
Genome position (GRCh38, 1-based): chr7:128,840,065, A>G. VCF-style: chr7-128840065-A-G. GRCh37 (hg19) VCF-style: chr7-128480119-A-G.
Other names: c.1454A>G, p.Gln485Arg (NM_001127487.2); short protein forms Q485R.
Identifiers: ClinVar variation 471977 (VCV000471977.8), dbSNP rs1012536919, ClinGen allele CA166216071.

ClinVar aggregate classification (germline): Uncertain significance. Review status: criteria provided, multiple submitters, no conflicts (2 of 4 stars). 2 submissions from 2 submitters: Uncertain significance (2). Last evaluated 2026-07-09.

Conditions:
Dilated Cardiomyopathy, Dominant.
Myofibrillar myopathy 5. Also called: Filaminopathy (type); FILAMINOPATHY, AUTOSOMAL DOMINANT. Identifiers: Orphanet 171445, MedGen C1836050, MONDO:0012289, OMIM 609524.
Distal myopathy with posterior leg and anterior hand involvement. Also called: WILLIAMS DISTAL MYOPATHY. Identifiers: Orphanet 63273, MedGen C3279722, MONDO:0013550, OMIM 614065.
Hypertrophic cardiomyopathy 26. Also called: Cardiomyopathy, familial hypertrophic, 26. Identifiers: Orphanet 75249, MedGen C4310749, MONDO:0014883, OMIM 617047.
Cardiovascular phenotype. Identifiers: MedGen CN230736.

Allele frequency attached by ClinVar (database versions not stated): gnomAD exomes below 0.00001; TOPMed below 0.00001.
gnomAD v4.1: 4 of 1,614,118 alleles (0.00025%); highest among the groups gnomAD compares: Non-Finnish European, 0.00034%; no homozygotes.

Submissions (2):

Ambry Genetics
Classification: Uncertain significance for Cardiovascular phenotype. Last evaluated: 2026-07-09. Review status: criteria provided, single submitter. Criteria: Ambry Variant Classification Scheme 2023. Collection method: clinical testing. Allele origin: germline.
Comment: The p.Q485R variant (also known as c.1454A>G), located in coding exon 9 of the FLNC gene, results from an A to G substitution at nucleotide position 1454. The glutamine at codon 485 is replaced by arginine, an amino acid with highly similar properties. This amino acid position is conserved. In addition, the in silico prediction for this alteration is inconclusive. Based on the available evidence, the clinical significance of this variant remains unclear.

Labcorp Genetics (formerly Invitae), Labcorp
Classification: Uncertain significance for Distal myopathy with posterior leg and anterior hand involvement; Myofibrillar myopathy 5; Hypertrophic cardiomyopathy 26. Last evaluated: 2017-04-17. Review status: criteria provided, single submitter. Criteria: Invitae Variant Classification Sherloc (09022015). Collection method: clinical testing. Allele origin: germline.
Comment: In summary, this variant is a novel missense change with uncertain impact on protein function. It has been classified as a Variant of Uncertain Significance. Algorithms developed to predict the effect of missense changes on protein structure and function do not agree on the potential impact of this missense change (SIFT: "Tolerated"; PolyPhen-2: "Possibly Damaging"; Align-GVGD: "Class C0"). This variant is not present in population databases (ExAC no frequency) and has not been reported in the literature in individuals with an FLNC-related disease. This sequence change replaces glutamine with arginine at codon 485 of the FLNC protein (p.Gln485Arg). The glutamine residue is moderately conserved and there is a small physicochemical difference between glutamine and arginine.